The following is an entry in ClinVar:

NM_001042492.3(NF1):c.8378-10T>C

Gene: NF1 (neurofibromin 1; plus strand). Cytogenetic location: 17q11.2.
Variant type: single nucleotide variant.
Coding change: c.8378-10T>C on transcript NM_001042492.3 (MANE Select); 10 bases into the intron before coding-DNA position 8378, T replaced by C.
Molecular consequence: intron variant.
Genome position (GRCh38, 1-based): chr17:31,374,003, T>C. VCF-style: chr17-31374003-T-C. GRCh37 (hg19) VCF-style: chr17-29701021-T-C.
Other names: c.8315-10T>C (NM_000267.4).
Identifiers: ClinVar variation 1630031 (VCV001630031.9), dbSNP rs2151601186, ClinGen allele CA2573153438.

ClinVar aggregate classification (germline): Likely benign. Review status: criteria provided, multiple submitters, no conflicts (2 of 4 stars). 2 submissions from 2 submitters: Likely benign (2). Last evaluated 2026-05-14.

Conditions:
Neurofibromatosis, type 1 (NF1). Also called: VON RECKLINGHAUSEN DISEASE; NEUROFIBROMATOSIS, TYPE I, SOMATIC; Neurofibromatosis, type I; Peripheral type neurofibromatosis. Identifiers: Orphanet 636, MedGen C0027831, MONDO:0018975, OMIM 162200. Disease mechanism: loss of function.

gnomAD v4.1: 1 of 1,613,942 alleles (0.000062%); highest among the groups gnomAD compares: Non-Finnish European, 0.000085%; no homozygotes.

Submissions (2):

Myriad Genetics, Inc.
Classification: Likely benign for Neurofibromatosis, type 1. Last evaluated: 2026-05-14. Review status: criteria provided, single submitter. Criteria: Myriad Autosomal Dominant, Autosomal Recessive and X-Linked Classification Criteria (2023). Collection method: clinical testing. Allele origin: unknown.
Comment: This variant is considered likely benign. This variant is intronic and is not expected to impact mRNA splicing.

Labcorp Genetics (formerly Invitae), Labcorp
Classification: Likely benign for Neurofibromatosis, type 1. Last evaluated: 2021-03-29. Review status: criteria provided, single submitter. Criteria: Invitae Variant Classification Sherloc (09022015). Collection method: clinical testing. Allele origin: germline.